The following is an entry in ClinVar:

NM_033305.3(VPS13A):c.3700T>C (p.Phe1234Leu)

Gene: VPS13A (vacuolar protein sorting 13 homolog A; plus strand). Cytogenetic location: 9q21.2.
Variant type: single nucleotide variant.
Coding change: c.3700T>C on transcript NM_033305.3 (MANE Select); coding-DNA position 3700, T replaced by C.
Protein change: p.Phe1234Leu; replaces phenylalanine 1234 with leucine.
Molecular consequence: missense variant.
Genome position (GRCh38, 1-based): chr9:77,295,734, T>C. VCF-style: chr9-77295734-T-C. GRCh37 (hg19) VCF-style: chr9-79910650-T-C.
Other names: c.3583T>C, p.Phe1195Leu (NM_001018037.2); c.3700T>C, p.Phe1234Leu (NM_001018038.3, NM_015186.4); short protein forms F1195L, F1234L.
Identifiers: ClinVar variation 3347377 (VCV003347377.1).
Genomic context (GRCh38, chr9:77,295,734, plus strand): 5'-AAAGCCCCAGTTGTGGTCATCCCGCAGTCTCCAGTTTCTGAAAATGTTTTTGTTGCTGAT[T>C]TTGGACTAATTACAATGACAAATACCTTTCATATGATAACAGAGAGCCAGAGCTCTCCCC-3'
Protein context (NP_150648.2, residues 1224-1244): PVSENVFVAD[Phe1234Leu]GLITMTNTFH

ClinVar aggregate classification (germline): Uncertain significance (0 of 4 stars; one submission).

Conditions:
VPS13A-related disorder. Also called: VPS13A-related condition.

Submission:

PreventionGenetics, part of Exact Sciences
Classification: Uncertain significance for VPS13A-related condition. Last evaluated: 2024-08-30. Review status: no assertion criteria provided. Collection method: clinical testing. Allele origin: germline.
Comment: The VPS13A c.3700T>C variant is predicted to result in the amino acid substitution p.Phe1234Leu. To our knowledge, this variant has not been reported in the literature or in a large population database, indicating this variant is rare. At this time, the clinical significance of this variant is uncertain due to the absence of conclusive functional and genetic evidence.